The following is an entry in ClinVar:

NM_007078.3(LDB3):c.1508_1509delinsTT (p.Gly503Val)

Gene: LDB3 (LIM domain binding 3; plus strand). Cytogenetic location: 10q23.2.
Variant type: Indel.
Coding change: c.1508_1509delinsTT on transcript NM_007078.3 (MANE Select); coding-DNA positions 1508 to 1509, GC replaced by TT.
Protein change: p.Gly503Val; replaces glycine 503 with valine.
Molecular consequence: missense variant.
Genome position (GRCh38, 1-based): chr10:86,716,603-86,716,604, GC replaced by TT. VCF-style: chr10-86716603-GC-TT. GRCh37 (hg19) VCF-style: chr10-88476360-GC-TT.
Other names: c.1178_1179delinsTT, p.Gly393Val (NM_001080114.2); c.1523_1524delinsTT, p.Gly508Val (NM_001171610.2); c.1319_1320delinsTT, p.Gly440Val (NM_001368064.1, NM_001368065.1); c.1367_1368delinsTT, p.Gly456Val (NM_001368066.1); short protein forms G393V, G456V, G503V, G508V, G440V.
Identifiers: ClinVar variation 4713895 (VCV004713895.1).

ClinVar aggregate classification (germline): Uncertain significance (1 of 4 stars; one submission).

Conditions:
Myofibrillar myopathy 4. Also called: Zaspopathy (type). Identifiers: Orphanet 98912, MedGen C4721886, MONDO:0012277, OMIM 609452.

Submission:

Labcorp Genetics (formerly Invitae), Labcorp
Classification: Uncertain significance for Myofibrillar myopathy 4. Last evaluated: 2025-02-26. Review status: criteria provided, single submitter. Criteria: Invitae Variant Classification Sherloc (09022015). Collection method: clinical testing. Allele origin: germline.
Comment: The LDB3 gene has multiple clinically relevant transcripts. This variant occurs in alternate transcript NM_007078.3, and corresponds to NM_001080116.1:c.*17229_*17230delinsTT in the primary transcript. This sequence change replaces glycine, which is neutral and non-polar, with valine, which is neutral and non-polar, at codon 503 of the LDB3 protein (p.Gly503Val). Information on the frequency of this variant in the gnomAD database is not available, as this variant may be reported differently in the database. This variant has not been reported in the literature in individuals affected with LDB3-related conditions. Experimental studies and prediction algorithms are not available or were not evaluated, and the functional significance of this variant is currently unknown. In summary, the available evidence is currently insufficient to determine the role of this variant in disease. Therefore, it has been classified as a Variant of Uncertain Significance.